The following is an entry in ClinVar:

ClinVar aggregate classification (germline): not provided (0 of 4 stars; one submission).

Conditions:
Large for gestational age. Identifiers: MedGen C1848395, HP:0001520.

Submission:

Institute of Molecular and Cell Biology, University of Tartu
No classification provided. Condition: Large for gestational age. Review status: no classification provided. Collection method: case-control. Allele origin: unknown. Affected: yes. Study: Kasak2014.
Comment: The study aimed to determine the contribution of copy number variants in the genetic etiology of normal and complicated pregnancies. The samples represented (i) maternal blood DNA drawn from healthy pregnant women during 1st or 2nd trimester and (ii) maternal and paternal blood DNA drawn at term pregnancy cases representing normal and complicated gestations (severe preeclampsia, PE; gestational diabetes, GD; small-for-gestational age newborn, SGA; large-for-gestational age newborn, LGA). We performed CNV calling based on genome-wide genotyping dataset (Illumina HumanOmniExpress-24-v1 BeadChip) by applying three algorithms, QuantiSNP, GADA (Genome Alteration Detection Algorithm) and CNstream in parallel. The acquired CNV calls were merged with HD-CNV (Hotspot Detector for Copy Number Variants) program and only the CNVs predicted by at least two programs, were considered in subsequent analysis.

Literature cited by the submitters: PubMed 25666259.

Single allele

Gene: GRK3 (G protein-coupled receptor kinase 3; plus strand). Cytogenetic location: 22q11.23-12.1.
Variant type: Duplication.
Identifiers: ClinVar variation 157474 (VCV000157474.2).